The following is an entry in ClinVar:

ClinVar aggregate classification (germline): Pathogenic. Review status: criteria provided, multiple submitters, no conflicts (2 of 4 stars). 5 submissions from 5 submitters: Pathogenic (2). 3 of the submissions do not count toward it. Last evaluated 2025-10-16.

Conditions:
Alkaptonuria (AKU). Also called: Homogentisic acidura; Alkaptonuric ochronosis; HOMOGENTISIC ACID OXIDASE DEFICIENCY; Alcaptonuria. Identifiers: Orphanet 56, MedGen C0002066, MONDO:0008753, OMIM 203500.

Allele frequency attached by ClinVar (database versions not stated): TOPMed 0.00003.
gnomAD v4.1: 31 of 1,613,874 alleles (0.0019%); highest among the groups gnomAD compares: African/African-American, 0.004%; 1 homozygote.

Submissions (5):

Labcorp Genetics (formerly Invitae), Labcorp
Classification: Pathogenic for Alkaptonuria. Last evaluated: 2025-10-16. Review status: criteria provided, single submitter. Criteria: Invitae Variant Classification Sherloc (09022015). Collection method: clinical testing. Allele origin: germline.
Comment: This sequence change replaces cysteine, which is neutral and slightly polar, with tryptophan, which is neutral and slightly polar, at codon 120 of the HGD protein (p.Cys120Trp). This variant is not present in population databases (gnomAD no frequency). This missense change has been observed in individual(s) with alkaptonuria (PMID: 12114497, 19862842). It has also been observed to segregate with disease in related individuals. ClinVar contains an entry for this variant (Variation ID: 65578). Invitae Evidence Modeling of protein sequence and biophysical properties (such as structural, functional, and spatial information, amino acid conservation, physicochemical variation, residue mobility, and thermodynamic stability) indicates that this missense variant is expected to disrupt HGD protein function with a positive predictive value of 95%. For these reasons, this variant has been classified as Pathogenic.

Fulgent Genetics
Classification: Pathogenic for Alkaptonuria. Last evaluated: 2022-04-24. Review status: criteria provided, single submitter. Criteria: ACMG Guidelines, 2015. Collection method: clinical testing. Allele origin: unknown.

Counsyl
Classification: Pathogenic for Alkaptonuria. Last evaluated: 2014-09-29. Review status: no assertion criteria provided. Collection method: literature only. Allele origin: unknown. Inheritance: Autosomal recessive inheritance. Not counted in ClinVar's aggregate classification.

Department Of Human Genetics, Institute Of Clinical And Translational Research, Biomedical Research Center, Slovak Academy Of Sciences
Classification: Pathogenic for Alkaptonuria. Review status: no assertion criteria provided. Collection method: research. Allele origin: germline. Inheritance: Autosomal recessive inheritance. Affected: yes. Observed: 16 variant alleles. Not counted in ClinVar's aggregate classification.
Comment: The variant was originally described in AKU patient in PMID:12114497. It has been submitted to the HGD gene mutation database (DB-ID: AKU_00029).

GeneReviews
No classification provided. Condition: Alkaptonuria. Review status: no classification provided. Collection method: literature only. Allele origin: germline. Not counted in ClinVar's aggregate classification.
Comment: Founder variant in the Dominican Republic

Literature cited by the submitters: PubMed 12114497 (cited by 4 submitters); PubMed 19862842 (cited by Labcorp Genetics (formerly Invitae), Labcorp and Counsyl); PubMed 12501223 (cited by Counsyl); PubMed 20301627 (cited by GeneReviews).

NM_000187.4(HGD):c.360T>G (p.Cys120Trp)

Gene: HGD (homogentisate 1,2-dioxygenase; minus strand). Cytogenetic location: 3q13.33.
Variant type: single nucleotide variant.
Coding change: c.360T>G on transcript NM_000187.4 (MANE Select); coding-DNA position 360, T replaced by G.
Protein change: p.Cys120Trp; replaces cysteine 120 with tryptophan.
Molecular consequence: missense variant.
Genome position (GRCh38, 1-based): chr3:120,650,848, A>C on the plus strand (T>G on the coding strand, the complement: HGD is on the minus strand). VCF-style: chr3-120650848-A-C. GRCh37 (hg19) VCF-style: chr3-120369695-A-C.
Other names: short protein forms C120W.
Identifiers: ClinVar variation 65578 (VCV000065578.16), dbSNP rs149165166, ClinGen allele CA344906.